The following is an entry in ClinVar:

NM_000429.3(MAT1A):c.-73A>G

Genes: MAT1A (methionine adenosyltransferase 1A; minus strand), LOC111982876 (Sharpr-MPRA regulatory region 13640; plus strand). Cytogenetic location: 10q22.3.
Variant type: single nucleotide variant.
Coding change: c.-73A>G on transcript NM_000429.3 (MANE Select); 73 bases upstream of the start codon, A replaced by G.
Molecular consequence: 5 prime UTR variant.
Genome position (GRCh38, 1-based): chr10:80,289,496, T>C on the plus strand (A>G on the coding strand, the complement: MAT1A is on the minus strand). VCF-style: chr10-80289496-T-C. GRCh37 (hg19) VCF-style: chr10-82049252-T-C.
Identifiers: ClinVar variation 301203 (VCV000301203.6), dbSNP rs369803796, ClinGen allele CA10636142.

ClinVar aggregate classification (germline): Benign. Review status: criteria provided, multiple submitters, no conflicts (2 of 4 stars). 2 submissions from 2 submitters: Benign (2). Last evaluated 2021-05-24.

Conditions:
Hepatic methionine adenosyltransferase deficiency. Also called: MAT I/III DEFICIENCY; Deficiency of methionine adenosyltransferase; Isolated Persistent Hypermethioninemia; Methionine adenosyltransferase deficiency. Identifiers: Orphanet 168598, MedGen C0268621, MeSH C564683, MONDO:0009607, OMIM 250850.

Allele frequency attached by ClinVar (database versions not stated): gnomAD exomes 0.00092; 1000 Genomes Project 0.00639; TOPMed 0.00737; gnomAD 0.07455 and 0.07734.
gnomAD v4.1: 1,693 of 790,738 alleles (0.21%); highest among the groups gnomAD compares: African/African-American, 6.3%; 14 homozygotes.

Submissions (2):

GeneDx
Classification: Benign. Last evaluated: 2021-05-24. Review status: criteria provided, single submitter. Criteria: GeneDx Variant Classification Process June 2021. Collection method: clinical testing. Allele origin: germline. Affected: yes.

Illumina Laboratory Services, Illumina
Classification: Benign for Hepatic methionine adenosyltransferase deficiency. Last evaluated: 2018-01-12. Review status: criteria provided, single submitter. Criteria: ICSL Variant Classification Criteria 13 December 2019. Collection method: clinical testing. Allele origin: germline.
Comment: This variant was observed in the ICSL laboratory as part of a predisposition screen in an ostensibly healthy population. It had not been previously curated by ICSL or reported in the Human Gene Mutation Database (HGMD: prior to June 1st, 2018), and was therefore a candidate for classification through an automated scoring system. Utilizing variant allele frequency, disease prevalence and penetrance estimates, and inheritance mode, an automated score was calculated to assess if this variant is too frequent to cause the disease. Based on the score and internal cut-off values, a variant classified as benign is not then subjected to further curation. The score for this variant resulted in a classification of benign for this disease.